The following is an entry in ClinVar:

NM_031220.4(PITPNM3):c.1378G>A (p.Val460Met)

Gene: PITPNM3 (PITPNM family member 3; minus strand). Cytogenetic location: 17p13.2.
Variant type: single nucleotide variant.
Coding change: c.1378G>A on transcript NM_031220.4 (MANE Select); coding-DNA position 1378, G replaced by A.
Protein change: p.Val460Met; replaces valine 460 with methionine.
Molecular consequence: missense variant.
Genome position (GRCh38, 1-based): chr17:6,472,708, C>T on the plus strand (G>A on the coding strand, the complement: PITPNM3 is on the minus strand). VCF-style: chr17-6472708-C-T. GRCh37 (hg19) VCF-style: chr17-6376028-C-T.
Other names: c.1270G>A, p.Val424Met (NM_001165966.2); short protein forms V424M, V460M.
Identifiers: ClinVar variation 1973065 (VCV001973065.6), dbSNP rs751748373, ClinGen allele CA8329527.

ClinVar aggregate classification (germline): Uncertain significance. Review status: criteria provided, multiple submitters, no conflicts (2 of 4 stars). 2 submissions from 2 submitters: Uncertain significance (2). Last evaluated 2024-10-30.

Allele frequency attached by ClinVar (database versions not stated): ExAC 0.00001; gnomAD exomes 0.00001.
gnomAD v4.1: 3 of 1,613,984 alleles (0.00019%); highest among the groups gnomAD compares: Middle Eastern, 0.017%; no homozygotes.

Submissions (2):

Labcorp Genetics (formerly Invitae), Labcorp
Classification: Uncertain significance. Last evaluated: 2024-10-30. Review status: criteria provided, single submitter. Criteria: Invitae Variant Classification Sherloc (09022015). Collection method: clinical testing. Allele origin: germline.
Comment: This sequence change replaces valine, which is neutral and non-polar, with methionine, which is neutral and non-polar, at codon 460 of the PITPNM3 protein (p.Val460Met). This variant is present in population databases (rs751748373, gnomAD 0.0009%). This variant has not been reported in the literature in individuals affected with PITPNM3-related conditions. ClinVar contains an entry for this variant (Variation ID: 1973065). Invitae Evidence Modeling of protein sequence and biophysical properties (such as structural, functional, and spatial information, amino acid conservation, physicochemical variation, residue mobility, and thermodynamic stability) indicates that this missense variant is not expected to disrupt PITPNM3 protein function with a negative predictive value of 80%. In summary, the available evidence is currently insufficient to determine the role of this variant in disease. Therefore, it has been classified as a Variant of Uncertain Significance.

Ambry Genetics
Classification: Uncertain significance. Last evaluated: 2022-10-26. Review status: criteria provided, single submitter. Criteria: Ambry Variant Classification Scheme 2023. Collection method: clinical testing. Allele origin: germline.